The following is an entry in ClinVar:

ClinVar aggregate classification (germline): Pathogenic/Likely pathogenic. Review status: criteria provided, multiple submitters, no conflicts (2 of 4 stars). 25 submissions from 23 submitters: Pathogenic (17); Likely pathogenic (1). 7 of the submissions do not count toward it. Last evaluated 2026-08-05.

Conditions:
Joubert syndrome and related disorders. Identifiers: Orphanet 140874, MedGen C5679612, MONDO:0015369.
TMEM67-related disorder. Also called: TMEM67-related condition; TMEM67-related disorders. Identifiers: MedGen CN239423.
Nephronophthisis 11 (NPHP11). Identifiers: Orphanet 84081, MedGen C3150796, MONDO:0013302, OMIM 613550.
Bardet-Biedl syndrome 14 (BBS14). Identifiers: Orphanet 110, MedGen C2673874, MONDO:0014442, OMIM 615991.
RHYNS syndrome. Also called: RETINITIS PIGMENTOSA SYNDROME; RETINITIS PIGMENTOSA, HYPOPITUITARISM, NEPHRONOPHTHISIS, AND MILD SKELETAL DYSPLASIA. Identifiers: Orphanet 140976, MedGen C1865794, MONDO:0011202, OMIM 602152.
Joubert syndrome 6 (JBTS6). Identifiers: Orphanet 475, MedGen C1853153, MONDO:0012539, OMIM 610688.
Meckel syndrome, type 3 (MKS3). Also called: MECKEL-GRUBER SYNDROME, TYPE 3. Identifiers: Orphanet 564, MedGen C1846357, MONDO:0011821, OMIM 607361.
COACH syndrome 1. Identifiers: Orphanet 1454, MedGen C5435651, MONDO:0800103, OMIM 216360, MONDO:0008996.
Inborn genetic diseases. Identifiers: MedGen C0950123, MeSH D030342.
Primary ciliary dyskinesia. Also called: Ciliary dyskinesia. Identifiers: Orphanet 244, MedGen C0008780, MONDO:0016575, HP:0012265.
Meckel-Gruber syndrome. Also called: DYSENCEPHALIA SPLANCHNOCYSTICA; GRUBER SYNDROME; Dysencephalia splachnocystica. Identifiers: Orphanet 564, MedGen C0265215, MONDO:0018921.
Joubert syndrome. Also called: JOUBERT-BOLTSHAUSER SYNDROME; Familial aplasia of the vermis. Identifiers: Orphanet 475, MedGen C5979921, MONDO:0018772.

Allele frequency attached by ClinVar (database versions not stated): ExAC 0.00014; gnomAD exomes 0.00018 and 0.00031; TOPMed 0.00022; gnomAD 0.00023 and 0.00026.
gnomAD v4.1: 480 of 1,613,342 alleles (0.03%); highest among the groups gnomAD compares: Non-Finnish European, 0.04%; no homozygotes.

Submissions 1 to 12 of 25:

Institute of Human Genetics, University of Leipzig Medical Center
Classification: Pathogenic for Joubert syndrome 6. Last evaluated: 2026-08-05. Review status: criteria provided, single submitter. Criteria: ACMG Guidelines, 2015. Collection method: clinical testing. Allele origin: unknown. Inheritance: Autosomal recessive inheritance. Affected: yes.
Comment: Criteria applied: PVS1,PM3_VSTR,PM2_SUP,PP4; Identified as compund heterozygous with NM_153704.6:c.2318G>A

PreventionGenetics, part of Exact Sciences
Classification: Pathogenic for TMEM67-related condition. Last evaluated: 2026-05-27. Review status: criteria provided, single submitter. Criteria: ACMG Guidelines, 2015. Collection method: clinical testing. Allele origin: germline.
Comment: The TMEM67 c.622A>T variant is predicted to result in premature protein termination (p.Arg208*). This variant has been reported to be causative for Meckel syndrome, Joubert syndrome, and other related disorders (Khaddour et al. 2007. PubMed ID: 17397051; Table S8, Chaki et al. 2011. PubMed ID: 21866095; Table S5, Bachmann-Gagescu et al. 2015. PubMed ID: 26092869; Table S2, Summers et al. 2017. PubMed ID: 28497568). This variant is reported in 0.037% of alleles in individuals of European (Non-Finnish) descent in gnomAD. Nonsense variants in TMEM67 are expected to be pathogenic. This variant is interpreted as pathogenic.

Department of Human Genetics, Hannover Medical School
Classification: Likely pathogenic for Primary Ciliary Dyskinesia. Last evaluated: 2026-04-01. Review status: criteria provided, single submitter. Criteria: ACMG Guidelines, 2015. Collection method: research. Allele origin: germline. Affected: no.
Comment: Classification performed by HerediClassify using the following criteria:['PM2_supporting: Variant occures does not occur as homozygous in gnomAD.', 'PVS1_protein_very_strong: Transcript ENST00000453321 is predicted to undergo NMD.']

Labcorp Genetics (formerly Invitae), Labcorp
Classification: Pathogenic for Joubert syndrome; Meckel-Gruber syndrome. Last evaluated: 2026-02-01. Review status: criteria provided, single submitter. Criteria: Invitae Variant Classification Sherloc (09022015). Collection method: clinical testing. Allele origin: germline.
Comment: This sequence change creates a premature translational stop signal (p.Arg208*) in the TMEM67 gene. It is expected to result in an absent or disrupted protein product. Loss-of-function variants in TMEM67 are known to be pathogenic (PMID: 20232449, 23559409). This variant is present in population databases (rs137853108, gnomAD 0.04%). This premature translational stop signal has been observed in individuals with Joubert syndrome, Meckel-Gruber syndrome, and/or nephronophthisis-related ciliopathies (PMID: 17377820, 17397051, 21866095, 23559409, 26092869). ClinVar contains an entry for this variant (Variation ID: 1376). For these reasons, this variant has been classified as Pathogenic.

CeGaT Center for Human Genetics Tuebingen
Classification: Pathogenic. Last evaluated: 2024-12-01. Review status: criteria provided, single submitter. Criteria: CeGaT Center For Human Genetics Tuebingen Variant Classification Criteria Version 2. Collection method: clinical testing. Allele origin: germline. Affected: yes. Observed: 2 variant alleles.
Comment: TMEM67: PVS1, PM3, PM2:Supporting, PP4

Blueprint Genetics
Classification: Pathogenic for TMEM67-related disorders. Last evaluated: 2024-11-04. Review status: criteria provided, single submitter. Criteria: ACMG Guidelines, 2015. Collection method: clinical testing. Allele origin: germline. Affected: yes. Observed: 5 variant alleles.

Fulgent Genetics
Classification: Pathogenic for COACH syndrome 1; RHYNS syndrome; Meckel syndrome, type 3; Joubert syndrome 6; Nephronophthisis 11; Bardet-Biedl syndrome 14. Last evaluated: 2024-05-14. Review status: criteria provided, single submitter. Criteria: ACMG Guidelines, 2015. Collection method: clinical testing. Allele origin: germline.

Ambry Genetics
Classification: Pathogenic for Inborn genetic diseases. Last evaluated: 2023-06-09. Review status: criteria provided, single submitter. Criteria: Ambry Variant Classification Scheme 2023. Collection method: clinical testing. Allele origin: germline.
Comment: The c.622A>T (p.R208*) alteration, located in exon 6 (coding exon 6) of the TMEM67 gene, consists of an A to T substitution at nucleotide position 622. This changes the amino acid from an arginine (R) to a stop codon at amino acid position 208. This alteration is expected to result in loss of function by premature protein truncation or nonsense-mediated mRNA decay. Based on data from gnomAD, the T allele has an overall frequency of 0.017% (49/282794) total alleles studied. The highest observed frequency was 0.037% (48/129126) of European (non-Finnish) alleles. This variant has been detected in conjunction with other variants in the TMEM67 gene in multiple individuals diagnosed with clinical features associated with TMEM67-related ciliopathies; however, the phase of the two variants is either unspecified or confirmed in trans (opposite chromosome) (Otto, 2009; Khaddour, 2007; Chaki, 2011; Szymanska, 2012; Bachmann-Gagescu, 2015; Summers, 2017; Vogel, 2017; Meng, 2017). Based on the available evidence, this alteration is classified as pathogenic.

Department of Pathology and Laboratory Medicine, Sinai Health System
Classification: Pathogenic for COACH syndrome 1; RHYNS syndrome; Meckel syndrome, type 3; Joubert syndrome 6; Nephronophthisis 11; Bardet-Biedl syndrome 14. Last evaluated: 2023-02-14. Review status: criteria provided, single submitter. Criteria: ACMG Guidelines, 2015. Collection method: research. Allele origin: germline.

Women's Health and Genetics/Laboratory Corporation of America, LabCorp
Classification: Pathogenic for Joubert syndrome and related disorders. Last evaluated: 2022-09-09. Review status: criteria provided, single submitter. Criteria: LabCorp Variant Classification Summary - May 2015. Collection method: clinical testing. Allele origin: germline.
Comment: Variant summary: TMEM67 c.622A>T (p.Arg208X) results in a premature termination codon, predicted to cause a truncation of the encoded protein or absence of the protein due to nonsense mediated decay, which are commonly known mechanisms for disease. Truncations downstream of this position have been classified as pathogenic by our laboratory. The variant allele was found at a frequency of 0.00018 in 251386 control chromosomes (gnomAD). This frequency is not higher than expected for a pathogenic variant in TMEM67 causing Joubert Syndrome And Related Disorders (0.00018 vs 0.0018), allowing no conclusion about variant significance. c.622A>T has been reported in the literature in multiple individuals affected with Joubert Syndrome, Meckel-Gruber syndrome and nephronophthisis-related ciliopathies (e.g. Consugar_2007, Halbritter_2013, Fleming_2017). These data indicate that the variant is very likely to be associated with disease. Eight ClinVar submitters (evaluation after 2014) cite the variant as pathogenic. Based on the evidence outlined above, the variant was classified as pathogenic.

GeneDx
Classification: Pathogenic. Last evaluated: 2022-05-13. Review status: criteria provided, single submitter. Criteria: GeneDx Variant Classification Process June 2021. Collection method: clinical testing. Allele origin: germline. Affected: yes.
Comment: Nonsense variant predicted to result in protein truncation or nonsense mediated decay in a gene for which loss of function is a known mechanism of disease; This variant is associated with the following publications: (PMID: 19508969, 17397051, 31974414, 23352055, 26092869, 23559409, 26729329, 25525159, 17377820, 21866095, 25920555, 28973083, 29891882, 28680603, 28497568, 29146704, 34426522, 31589614)

Revvity Omics, Revvity
Classification: Pathogenic. Last evaluated: 2021-05-04. Review status: criteria provided, single submitter. Criteria: ACMG Guidelines, 2015. Collection method: clinical testing. Allele origin: germline.

NM_153704.6(TMEM67):c.622A>T (p.Arg208Ter)

Gene: TMEM67 (transmembrane protein 67; plus strand). Cytogenetic location: 8q22.1.
Variant type: single nucleotide variant.
Coding change: c.622A>T on transcript NM_153704.6 (MANE Select); coding-DNA position 622, A replaced by T.
Protein change: p.Arg208Ter; replaces arginine 208 with a stop codon.
Molecular consequence: nonsense. On other transcripts: non-coding transcript variant (1).
Genome position (GRCh38, 1-based): chr8:93,765,617, A>T. VCF-style: chr8-93765617-A-T. GRCh37 (hg19) VCF-style: chr8-94777845-A-T.
Other names: c.379A>T, p.Arg127Ter (NM_001142301.1); short protein forms R208*, R127*.
Identifiers: ClinVar variation 1376 (VCV000001376.58), dbSNP rs137853108, ClinGen allele CA114963.
Genomic context (GRCh38, chr8:93,765,617, plus strand): 5'-CATTTATTTATGAAGACAGGGGGATTATGTTTCAGCAGCACAGGGAATTTTCCTCTACGT[A>T]GAATTTCAGCTGCACGTTATGGAGAAGTTGTGAGTATGTTTCAATTTTTTTGTTCTGTTG-3'